The following is an entry in ClinVar:

NM_004006.3(DMD):c.9219T>A (p.Tyr3073Ter)

Gene: DMD (dystrophin; minus strand). Cytogenetic location: Xp21.2.
Variant type: single nucleotide variant.
Coding change: c.9219T>A on transcript NM_004006.3 (MANE Select); coding-DNA position 9219, T replaced by A.
Protein change: p.Tyr3073Ter; replaces tyrosine 3073 with a stop codon.
Molecular consequence: nonsense.
Genome position (GRCh38, 1-based): chrX:31,323,603, A>T on the plus strand (T>A on the coding strand, the complement: DMD is on the minus strand). VCF-style: chrX-31323603-A-T. GRCh37 (hg19) VCF-style: chrX-31341720-A-T.
Other names: c.9195T>A, p.Tyr3065Ter (NM_000109.4); c.9207T>A, p.Tyr3069Ter (NM_004009.3); c.8850T>A, p.Tyr2950Ter (NM_004010.3); c.5196T>A, p.Tyr1732Ter (NM_004011.4); c.5187T>A, p.Tyr1729Ter (NM_004012.4); c.1839T>A, p.Tyr613Ter (NM_004013.3, NM_004020.4, NM_004021.3 and 2 more transcripts); c.1032T>A, p.Tyr344Ter (NM_004014.3); short protein forms Y1729*, Y1732*, Y2950*, Y3065*, Y3069*, Y3073*, Y344*, Y613*.
Identifiers: ClinVar variation 1726854 (VCV001726854.3), dbSNP rs1283306727, ClinGen allele CA412651588.

ClinVar aggregate classification (germline): Likely pathogenic (1 of 4 stars; one submission).

Conditions:
Progressive muscular dystrophy. Identifiers: Orphanet 206644, MedGen C4551827, MONDO:0016106.

Submission:

Myriad Genetics, Inc.
Classification: Likely pathogenic for Progressive muscular dystrophy. Last evaluated: 2022-01-02. Review status: criteria provided, single submitter. Criteria: Myriad Autosomal Dominant, Autosomal Recessive and X-Linked Classification Criteria (2023). Collection method: clinical testing. Allele origin: unknown.
Comment: NM_004006.2(DMD):c.9219T>A(Y3073*) is expected to be pathogenic in the context of dystrophinopathy (including Duchenne/Becker muscular dystrophy). This variant is predicted to lead to an abnormal or absent protein product due to the creation of a premature termination codon in DMD, a gene where loss-of-function variants are known to be pathogenic. Please note: this variant was assessed in the context of healthy population screening.